The following is an entry in ClinVar:

ClinVar aggregate classification (germline): Pathogenic. Review status: reviewed by expert panel (3 of 4 stars). 4 submissions from 4 submitters: Pathogenic (1). 3 of the submissions do not count toward it. Last evaluated 2016-10-18.

Conditions:
Hereditary cancer-predisposing syndrome. Also called: Hereditary Cancer Syndrome; Hereditary neoplastic syndrome; Neoplastic Syndromes, Hereditary; Tumor predisposition. Identifiers: Orphanet 140162, MedGen C0027672, MeSH D009386, MONDO:0015356.
Hereditary breast ovarian cancer syndrome. Also called: Hereditary breast and ovarian cancer syndrome (HBOC); Hereditary breast and ovarian cancer syndrome; Hereditary breast and/or ovarian cancer syndrome; Breast and ovarian cancer; BRCA1- and BRCA2-Associated Hereditary Breast and Ovarian Cancer; Hereditary breast and ovarian cancer. Identifiers: Orphanet 145, MedGen C0677776, MeSH D061325, MONDO:0003582. Disease mechanism: loss of function.
Breast-ovarian cancer, familial, susceptibility to, 2 (BROVCA2). Also called: BRCA2 Hereditary Breast and Ovarian Cancer. Identifiers: Orphanet 145, MedGen C2675520, MONDO:0012933, OMIM 612555. Disease mechanism: loss of function.

Submissions (4):

Evidence-based Network for the Interpretation of Germline Mutant Alleles (ENIGMA)
Classification: Pathogenic for Breast-ovarian cancer, familial, susceptibility to, 2. Last evaluated: 2016-10-18. Review status: reviewed by expert panel. Criteria: ENIGMA BRCA1/2 Classification Criteria (2015). Collection method: curation. Allele origin: germline.
Comment: Variant allele predicted to encode a truncated non-functional protein.

Ambry Genetics
Classification: Pathogenic for Hereditary cancer-predisposing syndrome. Last evaluated: 2026-02-06. Review status: criteria provided, single submitter. Criteria: Ambry Variant Classification Scheme 2023. Collection method: clinical testing. Allele origin: germline. Not counted in ClinVar's aggregate classification.
Comment: The p.K3083* pathogenic mutation (also known as c.9247A>T), located in coding exon 23 of the BRCA2 gene, results from an A to T substitution at nucleotide position 9247. This changes the amino acid from a lysine to a stop codon within coding exon 23. This variant was reported in individuals with breast cancer (Duran M et al. Hum Mutat. 2003 Apr;21(4):448; Ambry internal data). This variant is considered to be rare based on population cohorts in the Genome Aggregation Database (gnomAD). This alteration is expected to result in loss of function by premature protein truncation or nonsense-mediated mRNA decay. As such, this alteration is interpreted as a disease-causing mutation.

Labcorp Genetics (formerly Invitae), Labcorp
Classification: Pathogenic for Hereditary breast ovarian cancer syndrome. Last evaluated: 2020-02-02. Review status: criteria provided, single submitter. Criteria: Invitae Variant Classification Sherloc (09022015). Collection method: clinical testing. Allele origin: germline. Not counted in ClinVar's aggregate classification.
Comment: For these reasons, this variant has been classified as Pathogenic. Loss-of-function variants in BRCA2 are known to be pathogenic (PMID: 20104584). This variant has been observed in individual(s) with breast or ovarian cancer (PMID: 29446198). ClinVar contains an entry for this variant (Variation ID: 52783). This variant is not present in population databases (ExAC no frequency). This sequence change creates a premature translational stop signal (p.Lys3083*) in the BRCA2 gene. It is expected to result in an absent or disrupted protein product.

Consortium of Investigators of Modifiers of BRCA1/2 (CIMBA), c/o University of Cambridge
Classification: Pathogenic for Breast-ovarian cancer, familial, susceptibility to, 2. Last evaluated: 2015-10-02. Review status: criteria provided, single submitter. Criteria: CIMBA Mutation Classification guidelines May 2016. Collection method: clinical testing. Allele origin: germline. Not counted in ClinVar's aggregate classification.

Literature cited by the submitters: PubMed 12655567 (cited by Ambry Genetics); PubMed 20104584 (cited by Labcorp Genetics (formerly Invitae), Labcorp); PubMed 29446198 (cited by Labcorp Genetics (formerly Invitae), Labcorp).

NM_000059.4(BRCA2):c.9247A>T (p.Lys3083Ter)

Gene: BRCA2 (BRCA2 DNA repair associated; plus strand). Cytogenetic location: 13q13.1.
Variant type: single nucleotide variant.
Coding change: c.9247A>T on transcript NM_000059.4 (MANE Select); coding-DNA position 9247, A replaced by T.
Protein change: p.Lys3083Ter; replaces lysine 3083 with a stop codon.
Molecular consequence: nonsense.
Genome position (GRCh38, 1-based): chr13:32,380,136, A>T. VCF-style: chr13-32380136-A-T. GRCh37 (hg19) VCF-style: chr13-32954273-A-T.
Other names: 9475A>T; short protein forms K3083*.
Identifiers: ClinVar variation 52783 (VCV000052783.19), dbSNP rs80359190, ClinGen allele CA026049.
Genomic context (GRCh38, chr13:32,380,136, plus strand): 5'-CCAGACTTTCAGCCATCTTGTTCTGAGGTGGACCTAATAGGATTTGTCGTTTCTGTTGTG[A>T]AAAAAACAGGTAATGCACAATATAGTTAATTTTTTTTATTGATTCTTTTAAAAAACATTG-3'